The following is an entry in ClinVar:

NM_001048174.2(MUTYH):c.656G>T (p.Arg219Leu)

Gene: MUTYH (mutY DNA glycosylase; minus strand). Cytogenetic location: 1p34.1.
Variant type: single nucleotide variant.
Coding change: c.656G>T on transcript NM_001048174.2 (MANE Select); coding-DNA position 656, G replaced by T.
Protein change: p.Arg219Leu; replaces arginine 219 with leucine.
Molecular consequence: missense variant. On other transcripts: non-coding transcript variant (7).
Genome position (GRCh38, 1-based): chr1:45,332,439, C>A on the plus strand (G>T on the coding strand, the complement: MUTYH is on the minus strand). VCF-style: chr1-45332439-C-A. GRCh37 (hg19) VCF-style: chr1-45798111-C-A.
Other names: c.656G>T, p.Arg219Leu (NM_001407070.1, NM_001407072.1, NM_001407073.1 and 6 more transcripts); c.659G>T, p.Arg220Leu (NM_001407071.1, NM_001407078.1, NM_001048172.2 and 1 more transcripts); c.572G>T, p.Arg191Leu (NM_001407075.1); c.689G>T, p.Arg230Leu (NM_001407077.1, NM_001293191.2, NM_001407069.1); c.617G>T, p.Arg206Leu (NM_001407079.1); c.614G>T, p.Arg205Leu (NM_001407080.1); c.740G>T, p.Arg247Leu (NM_001128425.2); c.701G>T, p.Arg234Leu (NM_001293190.2); and 5 more; short protein forms R219L, R247L, R104L, R127L, R205L, R230L, R191L, R220L.
Identifiers: ClinVar variation 2749188 (VCV002749188.4), dbSNP rs777335285, ClinGen allele CA340134839.
Genomic context (GRCh38, chr1:45,332,439, plus strand): 5'-CCAACATCCTACCAGAGCTGCTGGGAAACAAGGGTGCTGCTGGGATCAGCACCAATGGCT[C>A]GGACACGGCACAGCACCCGTGCTACGTTGCCATCCACCACACCGGTTGCCTGGCACAGAG-3'
Protein context (NP_001041639.1, residues 209-229): GNVARVLCRV[Arg219Leu]AIGADPSSTL

ClinVar aggregate classification (germline): Uncertain significance. Review status: criteria provided, multiple submitters, no conflicts (2 of 4 stars). 2 submissions from 2 submitters: Uncertain significance (2). Last evaluated 2024-03-30.

Conditions:
Hereditary cancer-predisposing syndrome. Also called: Hereditary Cancer Syndrome; Hereditary neoplastic syndrome; Neoplastic Syndromes, Hereditary; Tumor predisposition. Identifiers: Orphanet 140162, MedGen C0027672, MeSH D009386, MONDO:0015356.
Familial adenomatous polyposis 2. Also called: MUTYH-associated polyposis; Adenomas, multiple colorectal; COLORECTAL ADENOMATOUS POLYPOSIS, AUTOSOMAL RECESSIVE; ADENOMAS, MULTIPLE COLORECTAL, AUTOSOMAL RECESSIVE; MUTYH-related attenuated familial adenomatous polyposis; MYH-associated polyposis. Identifiers: Orphanet 220460, Orphanet 247798, MedGen C3272841, MONDO:0012041, OMIM 608456.

Submissions (2):

Ambry Genetics
Classification: Uncertain significance for Hereditary cancer-predisposing syndrome. Last evaluated: 2024-03-30. Review status: criteria provided, single submitter. Criteria: Ambry Variant Classification Scheme 2023. Collection method: clinical testing. Allele origin: germline.
Comment: The p.R247L variant (also known as c.740G>T), located in coding exon 9 of the MUTYH gene, results from a G to T substitution at nucleotide position 740. The arginine at codon 247 is replaced by leucine, an amino acid with dissimilar properties. This amino acid position is highly conserved in available vertebrate species. In addition, the in silico prediction for this alteration is inconclusive. Based on the available evidence, the clinical significance of this alteration remains unclear.

Labcorp Genetics (formerly Invitae), Labcorp
Classification: Uncertain significance for Familial adenomatous polyposis 2. Last evaluated: 2023-08-02. Review status: criteria provided, single submitter. Criteria: Invitae Variant Classification Sherloc (09022015). Collection method: clinical testing. Allele origin: germline.
Comment: In summary, the available evidence is currently insufficient to determine the role of this variant in disease. Therefore, it has been classified as a Variant of Uncertain Significance. This variant disrupts the p.Arg247 amino acid residue in MUTYH. Other variant(s) that disrupt this residue have been observed in individuals with MUTYH-related conditions (PMID: 31285513; Invitae), which suggests that this may be a clinically significant amino acid residue. An algorithm developed to predict the effect of missense changes on protein structure and function (PolyPhen-2) suggests that this variant is likely to be disruptive. This variant has not been reported in the literature in individuals affected with MUTYH-related conditions. This variant is not present in population databases (gnomAD no frequency). This sequence change replaces arginine, which is basic and polar, with leucine, which is neutral and non-polar, at codon 247 of the MUTYH protein (p.Arg247Leu).

Literature cited by the submitters: PubMed 31285513 (cited by Labcorp Genetics (formerly Invitae), Labcorp).